The following is an entry in ClinVar:

NM_001267550.2(TTN):c.92631dup (p.Lys30878fs)

Genes: TTN (titin; minus strand), TTN-AS1 (TTN antisense RNA 1; plus strand). Cytogenetic location: 2q31.2.
Variant type: Duplication.
Coding change: c.92631dup on transcript NM_001267550.2 (MANE Select); coding-DNA position 92631, one base duplicated (G; older notation c.92631dupG).
Protein change: p.Lys30878fs; shifts the reading frame from lysine 30878.
Molecular consequence: frameshift variant.
Genome position (GRCh38, 1-based): chr2:178,548,995, C duplicated on the plus strand (G on the coding strand, the reverse complement: TTN is on the minus strand). VCF-style (leftmost placement, unchanged base first): chr2-178548994-T-TC. GRCh37 (hg19) VCF-style: chr2-179413721-T-TC.
Other names: c.87708dup, p.Lys29237fs (NM_001256850.1); c.65436dup, p.Lys21813fs (NM_003319.4); c.84927dup, p.Lys28310fs (NM_133378.4); c.65811dup, p.Lys21938fs (NM_133432.3); c.66012dup, p.Lys22005fs (NM_133437.4); c.92631dupG (NM_001267550.2); c.65436dupG (NM_003319.4); c.87708dupG (NM_001256850.1); and 1 more; short protein forms K28310fs, K21813fs, K21938fs, K29237fs, K22005fs, K30878fs.
Identifiers: ClinVar variation 264404 (VCV000264404.19), dbSNP rs886039145, ClinGen allele CA10587450.

ClinVar aggregate classification (germline): Pathogenic/Likely pathogenic. Review status: criteria provided, multiple submitters, no conflicts (2 of 4 stars). 3 submissions from 3 submitters: Pathogenic (1); Likely pathogenic (2). Last evaluated 2025-12-20.

Conditions:
TTN-related disorder. Also called: TTN-related disorders; TTN-related condition; TTN-related disease.
Cardiovascular phenotype. Identifiers: MedGen CN230736.
Dilated cardiomyopathy 1G (CMD1G). Identifiers: Orphanet 154, MedGen C1858763, MONDO:0011400, OMIM 604145.
Autosomal recessive limb-girdle muscular dystrophy type 2J (LGMDR10). Also called: MUSCULAR DYSTROPHY, LIMB-GIRDLE, AUTOSOMAL RECESSIVE 10; Limb-girdle muscular dystrophy, type 2J. Identifiers: Orphanet 140922, MedGen C1837342, MONDO:0012127, OMIM 608807.

Allele frequency attached by ClinVar (database versions not stated): gnomAD exomes below 0.00001.

Submissions (3):

Labcorp Genetics (formerly Invitae), Labcorp
Classification: Pathogenic for Dilated cardiomyopathy 1G; Autosomal recessive limb-girdle muscular dystrophy type 2J. Last evaluated: 2025-12-20. Review status: criteria provided, single submitter. Criteria: Invitae Variant Classification Sherloc (09022015). Collection method: clinical testing. Allele origin: germline.
Comment: This sequence change creates a premature translational stop signal (p.Lys30878Glufs*8) in the TTN gene. While this is not anticipated to result in nonsense mediated decay, it is expected to create a truncated TTN protein. This variant is present in population databases (no rsID available, gnomAD 0.0009%). This premature translational stop signal has been observed in individuals with autosomal recessive centronuclear myopathy and/or dilated cardiomyopathy (PMID: 23975875, 25589632; internal data). ClinVar contains an entry for this variant (Variation ID: 264404). This variant is located in the A band of TTN (PMID: 25589632). Truncating variants in this region are significantly overrepresented in patients affected with dilated cardiomyopathy (PMID: 25589632). Truncating variants in this region have also been reported in individuals affected with autosomal recessive centronuclear myopathy (PMID: 23975875). For these reasons, this variant has been classified as Pathogenic.

GeneDx
Classification: Likely pathogenic. Last evaluated: 2025-09-02. Review status: criteria provided, single submitter. Criteria: GeneDx Variant Classification Process June 2021. Collection method: clinical testing. Allele origin: germline. Affected: yes.
Comment: Not observed at significant frequency in large population cohorts (gnomAD); Has not been previously published as pathogenic or benign to our knowledge; Frameshift variant predicted to result in protein truncation or nonsense mediated decay in a gene for which loss of function is a known mechanism of disease; Located in the A-band, a region of TTN for which truncating variants are significantly associated with autosomal dominant cardiomyopathy and also with autosomal recessive skeletal myopathies (PMID: 22335739, 32778822); This variant is associated with the following publications: (PMID: 25589632, 23975875, 22335739, 32778822)

Ambry Genetics
Classification: Likely pathogenic for Cardiovascular phenotype. Last evaluated: 2022-06-03. Review status: criteria provided, single submitter. Criteria: Ambry Variant Classification Scheme 2023. Collection method: clinical testing. Allele origin: germline.
Comment: The c.65436dupG variant, located in coding exon 166 of the TTN gene, results from a duplication of G at nucleotide position 65436, causing a translational frameshift with a predicted alternate stop codon (p.K21813Efs*8). This alteration is located in the A-band region of the N2-B isoform of the titin protein and is constitutively expressed in TTN transcripts (percent spliced in or PSI 100%). This variant is considered to be rare based on population cohorts in the Genome Aggregation Database (gnomAD). This alteration is expected to result in loss of function by premature protein truncation or nonsense-mediated mRNA decay. While truncating variants in TTN are present in 1-3% of the general population, truncating variants in the A-band are the most common cause of dilated cardiomyopathy (DCM) (Herman DS et al. N. Engl. J. Med., 2012 Feb;366:619-28; Roberts AM et al. Sci Transl Med, 2015 Jan;7:270ra6). TTN truncating variants encoded in constitutive exons (PSI >90%) have been found to be significantly associated with DCM regardless of their position in titin (Schafer S et al. Nat. Genet., 2017 01;49:46-53). As such, this alteration is classified as likely pathogenic.

Literature cited by the submitters: PubMed 23975875 (cited by Labcorp Genetics (formerly Invitae), Labcorp); PubMed 25589632 (cited by Labcorp Genetics (formerly Invitae), Labcorp).